The following is an entry in ClinVar:

ClinVar aggregate classification (germline): Uncertain significance. Review status: criteria provided, multiple submitters, no conflicts (2 of 4 stars). 3 submissions from 3 submitters: Uncertain significance (3). Last evaluated 2023-12-22.

Conditions:
Inborn genetic diseases. Identifiers: MedGen C0950123, MeSH D030342.
Leukoencephalopathy with vanishing white matter 2 (VWM2). Also called: EIF2B2-Related Childhood Ataxia with Central Nervous System Hypomyelination/Vanishing White Matter; Leukoencephalopathy with vanishing white matter 2, with or without ovarian failure. Identifiers: MedGen C5830404, MONDO:0957870, OMIM 620312.

Allele frequency attached by ClinVar (database versions not stated): gnomAD 0.00002; gnomAD exomes 0.00003; ExAC 0.00007.

Submissions (3):

Ambry Genetics
Classification: Uncertain significance for Inborn genetic diseases. Last evaluated: 2023-12-22. Review status: criteria provided, single submitter. Criteria: Ambry Variant Classification Scheme 2023. Collection method: clinical testing. Allele origin: germline.

Labcorp Genetics (formerly Invitae), Labcorp
Classification: Uncertain significance. Last evaluated: 2021-09-24. Review status: criteria provided, single submitter. Criteria: Invitae Variant Classification Sherloc (09022015). Collection method: clinical testing. Allele origin: germline.
Comment: This sequence change replaces isoleucine with threonine at codon 151 of the EIF2B2 protein (p.Ile151Thr). The isoleucine residue is highly conserved and there is a moderate physicochemical difference between isoleucine and threonine. This variant is present in population databases (rs774920663, ExAC 0.07%). This variant has not been reported in the literature in individuals with EIF2B2-related conditions. Algorithms developed to predict the effect of missense changes on protein structure and function (SIFT, PolyPhen-2, Align-GVGD) all suggest that this variant is likely to be disruptive, but these predictions have not been confirmed by published functional studies and their clinical significance is uncertain. In summary, the available evidence is currently insufficient to determine the role of this variant in disease. Therefore, it has been classified as a Variant of Uncertain Significance.

Juno Genomics, Hangzhou Juno Genomics, Inc
Classification: Uncertain significance for Leukoencephalopathy with vanishing white matter 2. Review status: criteria provided, single submitter. Criteria: ACMG Guidelines, 2015. Collection method: clinical testing. Allele origin: germline.
Comment: Absent from controls (or at extremely low frequency if recessive) in Genome Aggregation Database.;Multiple lines of computational evidence support a deleterious effect on the gene or gene product.

NM_014239.4(EIF2B2):c.452T>C (p.Ile151Thr)

Gene: EIF2B2 (eukaryotic translation initiation factor 2B subunit beta; plus strand). Cytogenetic location: 14q24.3.
Variant type: single nucleotide variant.
Coding change: c.452T>C on transcript NM_014239.4 (MANE Select); coding-DNA position 452, T replaced by C.
Protein change: p.Ile151Thr; replaces isoleucine 151 with threonine.
Molecular consequence: missense variant.
Genome position (GRCh38, 1-based): chr14:75,004,755, T>C. VCF-style: chr14-75004755-T-C. GRCh37 (hg19) VCF-style: chr14-75471458-T-C.
Other names: c.452T>C (NM_014239.3); short protein forms I151T.
Identifiers: ClinVar variation 2175102 (VCV002175102.4), dbSNP rs774920663, ClinGen allele CA7274958.